The following is an entry in ClinVar:

NM_000158.4(GBE1):c.1168T>A (p.Leu390Met)

Gene: GBE1 (1,4-alpha-glucan branching enzyme 1; minus strand). Cytogenetic location: 3p12.2.
Variant type: single nucleotide variant.
Coding change: c.1168T>A on transcript NM_000158.4 (MANE Select); coding-DNA position 1168, T replaced by A.
Protein change: p.Leu390Met; replaces leucine 390 with methionine.
Molecular consequence: missense variant.
Genome position (GRCh38, 1-based): chr3:81,591,105, A>T on the plus strand (T>A on the coding strand, the complement: GBE1 is on the minus strand). VCF-style: chr3-81591105-A-T. GRCh37 (hg19) VCF-style: chr3-81640256-A-T.
Other names: c.1168T>A (NM_000158.3); short protein forms L390M.
Identifiers: ClinVar variation 1667887 (VCV001667887.10), dbSNP rs199821084, ClinGen allele CA2499770.

ClinVar aggregate classification (germline): Conflicting classifications of pathogenicity. Review status: criteria provided, conflicting classifications (1 of 4 stars). 3 submissions from 3 submitters: Uncertain significance (2); Likely benign (1). Last evaluated 2025-12-30.

Conditions:
Glycogen storage disease, type IV (GSD4). Also called: AMYLOPECTINOSIS; ANDERSEN DISEASE; BRANCHER DEFICIENCY; CIRRHOSIS, FAMILIAL, WITH DEPOSITION OF ABNORMAL GLYCOGEN; GBE1 DEFICIENCY; GLYCOGEN BRANCHING ENZYME DEFICIENCY. Identifiers: Orphanet 367, MedGen C0017923, MONDO:0009292, OMIM 232500.
Glycogen storage disease IV, classic hepatic. Also called: GSD IV, CLASSIC HEPATIC. Identifiers: MedGen C1856301.

Allele frequency attached by ClinVar (database versions not stated): gnomAD 0.00004 and 0.00005; ESP Exome Variant Server 0.00008; ExAC 0.00009.
gnomAD v4.1: 95 of 1,608,966 alleles (0.0059%); highest among the groups gnomAD compares: Admixed American, 0.012%; no homozygotes.

Submissions (3):

Labcorp Genetics (formerly Invitae), Labcorp
Classification: Likely benign for Glycogen storage disease, type IV; Glycogen storage disease IV, classic hepatic. Last evaluated: 2025-12-30. Review status: criteria provided, single submitter. Criteria: Invitae Variant Classification Sherloc (09022015). Collection method: clinical testing. Allele origin: germline.

Blueprint Genetics
Classification: Uncertain significance. Last evaluated: 2024-05-30. Review status: criteria provided, single submitter. Criteria: ACMG Guidelines, 2015. Collection method: clinical testing. Allele origin: germline.

GeneDx
Classification: Uncertain significance. Last evaluated: 2024-01-16. Review status: criteria provided, single submitter. Criteria: GeneDx Variant Classification Process June 2021. Collection method: clinical testing. Allele origin: germline. Affected: yes.
Comment: In silico analysis supports that this missense variant does not alter protein structure/function; Has not been previously published as pathogenic or benign to our knowledge